The following is an entry in ClinVar:

ClinVar aggregate classification (germline): Uncertain significance (1 of 4 stars; one submission).

Conditions:
Candidiasis, familial, 9 (CANDF9). Identifiers: Orphanet 1334, MedGen C4225324, MONDO:0014642, OMIM 616445.

Allele frequency attached by ClinVar (database versions not stated): gnomAD exomes below 0.00001; TOPMed 0.00001.
gnomAD v4.1: 1 of 1,614,144 alleles (0.000062%); highest among the groups gnomAD compares: Non-Finnish European, 0.000085%; no homozygotes.

Submission:

Labcorp Genetics (formerly Invitae), Labcorp
Classification: Uncertain significance for Candidiasis, familial, 9. Last evaluated: 2021-04-16. Review status: criteria provided, single submitter. Criteria: Invitae Variant Classification Sherloc (09022015). Collection method: clinical testing. Allele origin: germline.
Comment: In summary, the available evidence is currently insufficient to determine the role of this variant in disease. Therefore, it has been classified as a Variant of Uncertain Significance. Algorithms developed to predict the effect of missense changes on protein structure and function are either unavailable or do not agree on the potential impact of this missense change (SIFT: "Deleterious"; PolyPhen-2: "Probably Damaging"; Align-GVGD: "Class C0"). This variant has not been reported in the literature in individuals with IL17RC-related conditions. This variant is not present in population databases (ExAC no frequency). This sequence change replaces leucine with phenylalanine at codon 541 of the IL17RC protein (p.Leu541Phe). The leucine residue is highly conserved and there is a small physicochemical difference between leucine and phenylalanine.

NM_153460.4(IL17RC):c.1408C>T (p.Leu470Phe)

Gene: IL17RC (interleukin 17 receptor C; plus strand). Cytogenetic location: 3p25.3.
Variant type: single nucleotide variant.
Coding change: c.1408C>T on transcript NM_153460.4 (MANE Select); coding-DNA position 1408, C replaced by T.
Protein change: p.Leu470Phe; replaces leucine 470 with phenylalanine.
Molecular consequence: missense variant. On other transcripts: non-coding transcript variant (1).
Genome position (GRCh38, 1-based): chr3:9,932,628, C>T. VCF-style: chr3-9932628-C-T. GRCh37 (hg19) VCF-style: chr3-9974312-C-T.
Other names: c.1408C>T, p.Leu470Phe (NM_001203263.2); c.1357C>T, p.Leu453Phe (NM_001203264.2); c.1312C>T, p.Leu438Phe (NM_001203265.2); c.1369C>T, p.Leu457Phe (NM_001367278.1); c.1288C>T, p.Leu430Phe (NM_001367279.1); c.1363C>T, p.Leu455Phe (NM_001367280.1, NM_032732.6); c.1621C>T, p.Leu541Phe (NM_153461.4); short protein forms L430F, L453F, L455F, L438F, L457F, L470F, L541F.
Identifiers: ClinVar variation 1525383 (VCV001525383.8), dbSNP rs2084851757, ClinGen allele CA351702701.